The following is an entry in ClinVar:

NM_023067.4(FOXL2):c.402C>G (p.Cys134Trp)

Gene: FOXL2 (forkhead box L2; minus strand). Cytogenetic location: 3q22.3.
Variant type: single nucleotide variant.
Coding change: c.402C>G on transcript NM_023067.4 (MANE Select); coding-DNA position 402, C replaced by G.
Protein change: p.Cys134Trp; replaces cysteine 134 with tryptophan.
Molecular consequence: missense variant.
Genome position (GRCh38, 1-based): chr3:138,946,321, G>C on the plus strand (C>G on the coding strand, the complement: FOXL2 is on the minus strand). VCF-style: chr3-138946321-G-C. GRCh37 (hg19) VCF-style: chr3-138665163-G-C.
Other names: c.402C>G (NM_023067.3); short protein forms C134W.
Identifiers: ClinVar variation 4991509 (VCV004991509.2), dbSNP rs1057519865.

ClinVar aggregate classification (germline): Uncertain significance (1 of 4 stars; one submission).
ClinVar aggregate classification (oncogenicity): Oncogenic (1 of 4 stars; one submission).

Conditions:
FOXL2-related disorder. Also called: FOXL2-related condition.
Neoplasm. Also called: Neoplasms; Neoplasm (disease); tumor. Identifiers: MedGen C0027651, MeSH D009369, MONDO:0005070, HP:0002664.

Submissions (2):

Center for Genomic Medicine, Rigshospitalet, Copenhagen University Hospital
Classification: Oncogenic for Neoplasm. Last evaluated: 2026-10-16. Review status: criteria provided, single submitter. Criteria: ClinGen/CGC/VICC Guidelines for Oncogenicity, 2022. Collection method: clinical testing. Allele origin: somatic. Affected: yes.

PreventionGenetics, part of Exact Sciences
Classification: Uncertain significance for FOXL2-related condition. Last evaluated: 2026-07-23. Review status: criteria provided, single submitter. Criteria: ACMG Guidelines, 2015. Collection method: clinical testing. Allele origin: germline.
Comment: The FOXL2 c.402C>G variant is predicted to result in the amino acid substitution p.Cys134Trp. This variant has been reported as a somatic change in many individuals with adult-type granulosa cell tumors (AGCTs) of the ovary and is considered a tumor-specific driver event (Jamieson et al. 2010. PubMed ID: 20693978; Färkkilä et al. 2017. PubMed ID: 27810330; Kraus et al. 2020. PubMed ID: 32064045). To our knowledge, this variant has not been described in the germline and is absent from a large population database (gnomAD), indicating it is rare. In the absence of robust evidence for germline pathogenicity, we classify this variant as a variant of uncertain significance in the germline.